The following is an entry in ClinVar:

NM_001177316.2(SLC34A3):c.1140C>T (p.Leu380=)

Gene: SLC34A3 (solute carrier family 34 member 3; plus strand). Cytogenetic location: 9q34.3.
Variant type: single nucleotide variant.
Coding change: c.1140C>T on transcript NM_001177316.2 (MANE Select); coding-DNA position 1140, C replaced by T.
Protein change: p.Leu380=; no amino-acid change (leucine 380 retained).
Molecular consequence: synonymous variant.
Genome position (GRCh38, 1-based): chr9:137,234,462, C>T. VCF-style: chr9-137234462-C-T. GRCh37 (hg19) VCF-style: chr9-140128914-C-T.
Other names: c.1140C>T, p.Leu380= (NM_001177317.2, NM_080877.3).
Identifiers: ClinVar variation 281431 (VCV000281431.46), dbSNP rs113568956, ClinGen allele CA5364810.

ClinVar aggregate classification (germline): Benign/Likely benign. Review status: criteria provided, multiple submitters, no conflicts (2 of 4 stars). 8 submissions from 8 submitters: Benign (1); Likely benign (7). Last evaluated 2026-08-01.

Conditions:
Autosomal recessive hypophosphatemic bone disease (HHRH). Also called: Hypophosphatemic rickets with hypercalciuria; HYPERCALCIURIC RICKETS. Identifiers: Orphanet 157215, MedGen C1853271, MONDO:0009431, OMIM 241530.

Allele frequency attached by ClinVar (database versions not stated): 1000 Genomes Project 0.00160; 1000 Genomes Project 30x 0.00172; ESP Exome Variant Server 0.00293; gnomAD 0.00320; TOPMed 0.00353; ExAC 0.00371.
gnomAD v4.1: 6,112 of 1,599,324 alleles (0.38%); highest among the groups gnomAD compares: Middle Eastern, 2%; 20 homozygotes.

Submissions (8):

CeGaT Center for Human Genetics Tuebingen
Classification: Likely benign. Last evaluated: 2026-08-01. Review status: criteria provided, single submitter. Criteria: CeGaT Center For Human Genetics Tuebingen Variant Classification Criteria Version 2. Collection method: clinical testing. Allele origin: germline. Affected: yes. Observed: 4 variant alleles.
Comment: SLC34A3: BP4, BP7, BS2

Labcorp Genetics (formerly Invitae), Labcorp
Classification: Benign. Last evaluated: 2026-01-28. Review status: criteria provided, single submitter. Criteria: Invitae Variant Classification Sherloc (09022015). Collection method: clinical testing. Allele origin: germline.

Blueprint Genetics
Classification: Likely benign. Last evaluated: 2024-11-21. Review status: criteria provided, single submitter. Criteria: ACMG Guidelines, 2015. Collection method: clinical testing. Allele origin: germline.

ARUP Laboratories, Molecular Genetics and Genomics, ARUP Laboratories
Classification: Likely benign for Autosomal recessive hypophosphatemic bone disease. Last evaluated: 2023-03-16. Review status: criteria provided, single submitter. Criteria: ARUP Molecular Germline Variant Investigation Process 2024. Collection method: clinical testing. Allele origin: germline.

GeneDx
Classification: Likely benign. Last evaluated: 2020-11-27. Review status: criteria provided, single submitter. Criteria: GeneDx Variant Classification Process June 2021. Collection method: clinical testing. Allele origin: germline. Affected: yes.
Comment: This variant is associated with the following publications: (PMID: 21344632)

Genetic Services Laboratory, University of Chicago
Classification: Likely benign. Last evaluated: 2016-11-07. Review status: criteria provided, single submitter. Criteria: ACMG Guidelines, 2015. Collection method: clinical testing. Allele origin: germline. Affected: no.

Eurofins Ntd Llc (ga)
Classification: Likely benign. Last evaluated: 2015-06-15. Review status: criteria provided, single submitter. Criteria: EGL Classification Definitions 2015. Collection method: clinical testing. Allele origin: germline. Observed: 1 variant allele, 1 heterozygote.

Breakthrough Genomics
Classification: Likely benign. Review status: criteria provided, single submitter. Criteria: ACMG Guidelines, 2015. Collection method: not provided. Allele origin: germline. Inheritance: Autosomal recessive inheritance. Affected: yes.